The following is an entry in ClinVar:

ClinVar aggregate classification (germline): Conflicting classifications of pathogenicity. Review status: criteria provided, conflicting classifications (1 of 4 stars). 2 submissions from 2 submitters: Uncertain significance (1); Likely benign (1). Last evaluated 2025-11-17.

Conditions:
EGFR-related lung cancer (EGFR). Identifiers: MedGen CN130014.
Hereditary cancer-predisposing syndrome. Also called: Tumor predisposition; Hereditary neoplastic syndrome; Neoplastic Syndromes, Hereditary; Hereditary Cancer Syndrome. Identifiers: Orphanet 140162, MedGen C0027672, MeSH D009386, MONDO:0015356.

Allele frequency attached by ClinVar (database versions not stated): gnomAD 0.00003; TOPMed 0.00003; gnomAD exomes 0.00004; ExAC 0.00005.
gnomAD v4.1: 37 of 1,613,646 alleles (0.0023%); highest among the groups gnomAD compares: South Asian, 0.024%; no homozygotes.

Submissions (2):

Labcorp Genetics (formerly Invitae), Labcorp
Classification: Uncertain significance for EGFR-related lung cancer. Last evaluated: 2025-11-17. Review status: criteria provided, single submitter. Criteria: Invitae Variant Classification Sherloc (09022015). Collection method: clinical testing. Allele origin: germline.
Comment: This sequence change replaces glycine, which is neutral and non-polar, with serine, which is neutral and polar, at codon 665 of the EGFR protein (p.Gly665Ser). This variant is present in population databases (rs745422316, gnomAD 0.03%). This variant has not been reported in the literature in individuals affected with EGFR-related conditions. ClinVar contains an entry for this variant (Variation ID: 859238). Invitae Evidence Modeling of protein sequence and biophysical properties (such as structural, functional, and spatial information, amino acid conservation, physicochemical variation, residue mobility, and thermodynamic stability) indicates that this missense variant is not expected to disrupt EGFR protein function with a negative predictive value of 80%. In summary, the available evidence is currently insufficient to determine the role of this variant in disease. Therefore, it has been classified as a Variant of Uncertain Significance.

Ambry Genetics
Classification: Likely benign for Hereditary cancer-predisposing syndrome. Last evaluated: 2024-10-28. Review status: criteria provided, single submitter. Criteria: Ambry Variant Classification Scheme 2023. Collection method: clinical testing. Allele origin: germline.

NM_005228.5(EGFR):c.1993G>A (p.Gly665Ser)

Gene: EGFR (epidermal growth factor receptor; plus strand). Cytogenetic location: 7p11.2.
Variant type: single nucleotide variant.
Coding change: c.1993G>A on transcript NM_005228.5 (MANE Select); coding-DNA position 1993, G replaced by A.
Protein change: p.Gly665Ser; replaces glycine 665 with serine.
Molecular consequence: missense variant.
Genome position (GRCh38, 1-based): chr7:55,173,056, G>A. VCF-style: chr7-55173056-G-A. GRCh37 (hg19) VCF-style: chr7-55240749-G-A.
Other names: c.1858G>A, p.Gly620Ser (NM_001346897.2, NM_001346899.2); c.1993G>A, p.Gly665Ser (NM_001346898.2); c.1834G>A, p.Gly612Ser (NM_001346900.2); c.1192G>A, p.Gly398Ser (NM_001346941.2); short protein forms G665S, G398S, G612S, G620S.
Identifiers: ClinVar variation 859238 (VCV000859238.10), dbSNP rs745422316, ClinGen allele CA4265931.